The following is an entry in ClinVar:

ClinVar aggregate classification (germline): Benign. Review status: criteria provided, multiple submitters, no conflicts (2 of 4 stars). 2 submissions from 2 submitters: Benign (2). Last evaluated 2018-01-13.

Conditions:
Osteopetrosis. Identifiers: Orphanet 2781, MedGen C0029454, MONDO:0017198, HP:0011002.

Allele frequency attached by ClinVar (database versions not stated): gnomAD 0.38167 and 0.37181; TOPMed 0.38503; 1000 Genomes Project 30x 0.44847; gnomAD exomes 0.46000; 1000 Genomes Project 0.46965.
gnomAD v4.1: 58,130 of 151,816 alleles (38%); highest among the groups gnomAD compares: East Asian, 81%; 12,004 homozygotes.

Submissions (2):

Illumina Laboratory Services, Illumina
Classification: Benign for Osteopetrosis. Last evaluated: 2018-01-13. Review status: criteria provided, single submitter. Criteria: ICSL Variant Classification Criteria 13 December 2019. Collection method: clinical testing. Allele origin: germline.
Comment: This variant was observed in the ICSL laboratory as part of a predisposition screen in an ostensibly healthy population. It had not been previously curated by ICSL or reported in the Human Gene Mutation Database (HGMD: prior to June 1st, 2018), and was therefore a candidate for classification through an automated scoring system. Utilizing variant allele frequency, disease prevalence and penetrance estimates, and inheritance mode, an automated score was calculated to assess if this variant is too frequent to cause the disease. Based on the score and internal cut-off values, a variant classified as benign is not then subjected to further curation. The score for this variant resulted in a classification of benign for this disease.

Breakthrough Genomics
Classification: Benign. Review status: criteria provided, single submitter. Criteria: ACMG Guidelines, 2015. Collection method: not provided. Allele origin: germline. Inheritance: Autosomal recessive inheritance. Affected: yes.

NM_001287.6(CLCN7):c.*1332C>T

Gene: CLCN7 (chloride voltage-gated channel 7; minus strand). Cytogenetic location: 16p13.3.
Variant type: single nucleotide variant.
Coding change: c.*1332C>T on transcript NM_001287.6 (MANE Select); 1332 bases downstream of the stop codon, C replaced by T.
Molecular consequence: 3 prime UTR variant.
Genome position (GRCh38, 1-based): chr16:1,445,299, G>A on the plus strand (C>T on the coding strand, the complement: CLCN7 is on the minus strand). VCF-style: chr16-1445299-G-A. GRCh37 (hg19) VCF-style: chr16-1495300-G-A.
Other names: c.*1332C>T (NM_001114331.3).
Identifiers: ClinVar variation 317913 (VCV000317913.6), dbSNP rs941439, ClinGen allele CA10646997.